The following is an entry in ClinVar:

ClinVar aggregate classification (germline): Uncertain significance (1 of 4 stars; one submission).

Submission:

Labcorp Genetics (formerly Invitae), Labcorp
Classification: Uncertain significance. Last evaluated: 2024-09-12. Review status: criteria provided, single submitter. Criteria: Invitae Variant Classification Sherloc (09022015). Collection method: clinical testing. Allele origin: germline.
Comment: This sequence change replaces glutamine, which is neutral and polar, with glutamic acid, which is acidic and polar, at codon 107 of the SRP72 protein (p.Gln107Glu). This variant is not present in population databases (gnomAD no frequency). This variant has not been reported in the literature in individuals affected with SRP72-related conditions. Invitae Evidence Modeling of protein sequence and biophysical properties (such as structural, functional, and spatial information, amino acid conservation, physicochemical variation, residue mobility, and thermodynamic stability) indicates that this missense variant is not expected to disrupt SRP72 protein function with a negative predictive value of 80%. In summary, the available evidence is currently insufficient to determine the role of this variant in disease. Therefore, it has been classified as a Variant of Uncertain Significance.

NM_006947.4(SRP72):c.319C>G (p.Gln107Glu)

Gene: SRP72 (signal recognition particle 72; plus strand). Cytogenetic location: 4q12.
Variant type: single nucleotide variant.
Coding change: c.319C>G on transcript NM_006947.4 (MANE Select); coding-DNA position 319, C replaced by G.
Protein change: p.Gln107Glu; replaces glutamine 107 with glutamic acid.
Molecular consequence: missense variant. On other transcripts: non-coding transcript variant (1).
Genome position (GRCh38, 1-based): chr4:56,471,808, C>G. VCF-style: chr4-56471808-C-G. GRCh37 (hg19) VCF-style: chr4-57337974-C-G.
Other names: c.319C>G, p.Gln107Glu (NM_001267722.2); short protein forms Q107E.
Identifiers: ClinVar variation 3664161 (VCV003664161.2).